The following is an entry in ClinVar:

ClinVar aggregate classification (germline): Benign (1 of 4 stars; one submission).

Allele frequency attached by ClinVar (database versions not stated): 1000 Genomes Project 0.28654; TOPMed 0.31878; gnomAD 0.32438; 1000 Genomes Project 30x 0.28154.
gnomAD v4.1: 46,955 of 149,106 alleles (31%); highest among the groups gnomAD compares: African/African-American, 35%; 7,508 homozygotes.

Submission:

GeneDx
Classification: Benign. Last evaluated: 2018-06-18. Review status: criteria provided, single submitter. Criteria: GeneDx Variant Classification (06012015). Collection method: clinical testing. Allele origin: germline. Affected: yes.
Comment: This variant is considered likely benign or benign based on one or more of the following criteria: it is a conservative change, it occurs at a poorly conserved position in the protein, it is predicted to be benign by multiple in silico algorithms, and/or has population frequency not consistent with disease.

NM_000093.5(COL5A1):c.5068-279C>A

Genes: COL5A1 (collagen type V alpha 1 chain; plus strand), LOC101448202 (uncharacterized LOC101448202; minus strand). Cytogenetic location: 9q34.3.
Variant type: single nucleotide variant.
Coding change: c.5068-279C>A on transcript NM_000093.5 (MANE Select); 279 bases into the intron before coding-DNA position 5068, C replaced by A.
Molecular consequence: intron variant.
Genome position (GRCh38, 1-based): chr9:134,829,697, C>A. VCF-style: chr9-134829697-C-A. GRCh37 (hg19) VCF-style: chr9-137721543-C-A.
Other names: c.5068-411C>A (NM_001278074.1).
Identifiers: ClinVar variation 683405 (VCV000683405.1), dbSNP rs55906519, ClinGen allele CA12975224.